The following is an entry in ClinVar:

ClinVar aggregate classification (germline): Uncertain significance. Review status: criteria provided, multiple submitters, no conflicts (2 of 4 stars). 2 submissions from 2 submitters: Uncertain significance (2). Last evaluated 2017-08-17.

Allele frequency attached by ClinVar (database versions not stated): gnomAD exomes below 0.00001; TOPMed below 0.00001; gnomAD 0.00001.
gnomAD v4.1: 6 of 1,613,214 alleles (0.00037%); highest among the groups gnomAD compares: Admixed American, 0.0017%; no homozygotes.

Submissions (2):

GeneDx
Classification: Uncertain significance. Last evaluated: 2017-08-17. Review status: criteria provided, single submitter. Criteria: GeneDx Variant Classification (06012015). Collection method: clinical testing. Allele origin: germline. Affected: yes.
Comment: A variant of uncertain significance has been identified in the TTN gene. The V24424G variant has not been published as pathogenic or been reported as benign to our knowledge. This variant is not observed in large population cohorts (Lek et al., 2016; 1000 Genomes Consortium et al., 2015; Exome Variant Server). Although the V24424G variant is a conservative amino acid substitution, which is not likely to impact secondary protein structure as these residues share similar properties, it occurs at a position that is conserved across species. In silico splice models predict that this variant creates a cryptic splice donor site. However, the effect on gene splicing is unknown and in the absence of functional studies, the physiological consequence of this genetic variant cannot be precisely determined. Although the V24424G variant is located in the A-band region of titin, where the majority of truncating pathogenic variants associated with DCM have been reported, other truncating TTN variants have been reported in approximately 3% of control alleles (Herman et al., 2012).

Breakthrough Genomics
Classification: Uncertain significance. Review status: criteria provided, single submitter. Criteria: ACMG Guidelines, 2015. Collection method: not provided. Allele origin: germline. Inheritance: Autosomal recessive inheritance. Affected: yes.

NM_001267550.2(TTN):c.78194T>G (p.Val26065Gly)

Genes: TTN (titin; minus strand), TTN-AS1 (TTN antisense RNA 1; plus strand). Cytogenetic location: 2q31.2.
Variant type: single nucleotide variant.
Coding change: c.78194T>G on transcript NM_001267550.2 (MANE Select); coding-DNA position 78194, T replaced by G.
Protein change: p.Val26065Gly; replaces valine 26065 with glycine.
Molecular consequence: missense variant.
Genome position (GRCh38, 1-based): chr2:178,567,938, A>C on the plus strand (T>G on the coding strand, the complement: TTN is on the minus strand). VCF-style: chr2-178567938-A-C. GRCh37 (hg19) VCF-style: chr2-179432665-A-C.
Other names: c.73271T>G, p.Val24424Gly (NM_001256850.1); c.50999T>G, p.Val17000Gly (NM_003319.4); c.70490T>G, p.Val23497Gly (NM_133378.4); c.51374T>G, p.Val17125Gly (NM_133432.3); c.51575T>G, p.Val17192Gly (NM_133437.4); short protein forms V24424G, V26065G, V17000G, V17192G, V17125G, V23497G.
Identifiers: ClinVar variation 451565 (VCV000451565.3), dbSNP rs931947649, ClinGen allele CA60991589.